The following is an entry in ClinVar:

ClinVar aggregate classification (germline): Likely pathogenic (1 of 4 stars; one submission).

Conditions:
Radio-Tartaglia syndrome. Identifiers: Orphanet 662234, MedGen C5543339, MONDO:0859143, OMIM 619312.

Submission:

Laboratorio de Genetica e Diagnostico Molecular, Hospital Israelita Albert Einstein
Classification: Likely pathogenic for Radio-Tartaglia syndrome. Last evaluated: 2021-11-11. Review status: criteria provided, single submitter. Criteria: ACMG Guidelines, 2015. Collection method: clinical testing. Allele origin: germline. Affected: yes.
Comment: ACMG classification criteria: PVS1 very strong, PM2 moderate

NM_015001.3(SPEN):c.2804_2807del (p.Val935fs)

Gene: SPEN (spen family transcriptional repressor; plus strand). Cytogenetic location: 1p36.13.
Variant type: Deletion.
Coding change: c.2804_2807del on transcript NM_015001.3 (MANE Select); coding-DNA positions 2804 to 2807, 4 bases deleted (TTAG; older notation c.2804_2807delTTAG).
Protein change: p.Val935fs; shifts the reading frame from valine 935.
Molecular consequence: frameshift variant.
Genome position (GRCh38, 1-based): chr1:15,929,044-15,929,047, TTAG deleted; deleting any 4 consecutive bases within chr1:15,929,042-15,929,047 gives the same sequence; the c. name uses the placement nearest the transcript's 3' end. VCF-style (leftmost placement, unchanged base first): chr1-15929041-CAGTT-C. GRCh37 (hg19) VCF-style: chr1-16255536-CAGTT-C.
Other names: short protein forms V935fs.
Identifiers: ClinVar variation 1683666 (VCV001683666.2), dbSNP rs2148738318, ClinGen allele CA2573130828.